The following is an entry in ClinVar:

NM_006648.4(WNK2):c.6475G>A (p.Glu2159Lys)

Gene: WNK2 (WNK lysine deficient protein kinase 2; plus strand). Cytogenetic location: 9q22.31.
Variant type: single nucleotide variant.
Coding change: c.6475G>A on transcript NM_006648.4 (MANE Select); coding-DNA position 6475, G replaced by A.
Protein change: p.Glu2159Lys; replaces glutamic acid 2159 with lysine.
Molecular consequence: missense variant.
Genome position (GRCh38, 1-based): chr9:93,308,543, G>A. VCF-style: chr9-93308543-G-A. GRCh37 (hg19) VCF-style: chr9-96070825-G-A.
Other names: c.6586G>A, p.Glu2196Lys (NM_001282394.3); short protein forms E2159K, E2196K.
Identifiers: ClinVar variation 4866675 (VCV004866675.1).

ClinVar aggregate classification (germline): Uncertain significance (1 of 4 stars; one submission).

gnomAD v4.1: 3 of 1,603,236 alleles (0.00019%); highest among the groups gnomAD compares: Admixed American, 0.0017%; no homozygotes.

Submission:

Ambry Genetics
Classification: Uncertain significance. Last evaluated: 2026-05-16. Review status: criteria provided, single submitter. Criteria: Ambry Variant Classification Scheme 2023. Collection method: clinical testing. Allele origin: germline.
Comment: The p.E2159K variant (also known as c.6475G>A), located in coding exon 27 of the WNK2 gene, results from a G to A substitution at nucleotide position 6475. The glutamic acid at codon 2159 is replaced by lysine, an amino acid with similar properties. This amino acid position is conserved. In addition, the in silico prediction for this alteration is inconclusive. Based on the available evidence, the clinical significance of this variant remains unclear.